The following is an entry in ClinVar:

ClinVar aggregate classification (germline): Pathogenic. Review status: criteria provided, multiple submitters, no conflicts (2 of 4 stars). 3 submissions from 3 submitters: Pathogenic (3). Last evaluated 2026-01-26.

Conditions:
Hereditary cancer-predisposing syndrome. Also called: Neoplastic Syndromes, Hereditary; Tumor predisposition; Hereditary Cancer Syndrome; Hereditary neoplastic syndrome. Identifiers: Orphanet 140162, MedGen C0027672, MeSH D009386, MONDO:0015356.
Hereditary breast ovarian cancer syndrome. Also called: Hereditary breast and ovarian cancer; Hereditary breast and ovarian cancer syndrome (HBOC); Breast and ovarian cancer; Hereditary breast and/or ovarian cancer syndrome; BRCA1- and BRCA2-Associated Hereditary Breast and Ovarian Cancer; Hereditary breast and ovarian cancer syndrome. Identifiers: Orphanet 145, MedGen C0677776, MeSH D061325, MONDO:0003582. Disease mechanism: loss of function.
Breast-ovarian cancer, familial, susceptibility to, 1 (BROVCA1). Also called: BRCA1 Hereditary Breast and Ovarian Cancer; OVARIAN CANCER, SUSCEPTIBILITY TO. Identifiers: Orphanet 145, MedGen C2676676, MONDO:0011450, OMIM 604370. Disease mechanism: loss of function.

Submissions (4):

Ambry Genetics
Classification: Pathogenic for Hereditary cancer-predisposing syndrome. Last evaluated: 2026-01-26. Review status: criteria provided, single submitter. Criteria: Ambry Variant Classification Scheme 2023. Collection method: clinical testing. Allele origin: germline.
Comment: The c.4986+2T>A intronic pathogenic mutation results from a T to A substitution two nucleotides after coding exon 14 in the BRCA1 gene. This alteration has been reported in a cohort of hereditary breast and/or ovarian cancer patients (Trujillano D et al. J Mol Diagn, 2015 Mar;17:162-70). One functional study found that this nucleotide substitution is non-functional in a high throughput genome editing haploid cell survival assay (Findlay GM et al. Nature, 2018 10;562:217-222). This variant is considered to be rare based on population cohorts in the Genome Aggregation Database (gnomAD). This nucleotide position is highly conserved in available vertebrate species. In silico splice site analysis predicts that this alteration will weaken the native splice donor site. Alterations that disrupt the canonical splice site are expected to cause aberrant splicing, resulting in an abnormal protein or a transcript that is subject to nonsense-mediated mRNA decay. As such, this alteration is classified as a disease-causing mutation.

Baylor Genetics
Classification: Pathogenic for Breast-ovarian cancer, familial, susceptibility to, 1. Last evaluated: 2023-02-05. Review status: criteria provided, single submitter. Criteria: ACMG Guidelines, 2015. Collection method: clinical testing. Allele origin: unknown.

Labcorp Genetics (formerly Invitae), Labcorp
Classification: Pathogenic for Hereditary breast ovarian cancer syndrome. Last evaluated: 2020-09-22. Review status: criteria provided, single submitter. Criteria: Invitae Variant Classification Sherloc (09022015). Collection method: clinical testing. Allele origin: germline.
Comment: For these reasons, this variant has been classified as Pathogenic. Donor and acceptor splice site variants typically lead to a loss of protein function (PMID: 16199547), and loss-of-function variants in BRCA1 are known to be pathogenic (PMID: 20104584). Experimental studies have shown that this variant disrupts mRNA splicing (PMID: 30209399). This variant has been observed in individual(s) with breast and/or ovarian cancer (PMID: 25556971). ClinVar contains an entry for this variant (Variation ID: 868086). This variant is not present in population databases (ExAC no frequency). This sequence change affects a donor splice site in intron 15 of the BRCA1 gene. It is expected to disrupt RNA splicing and likely results in an absent or disrupted protein product.

Brotman Baty Institute, University of Washington
No classification provided (evidence only). Condition: Breast-ovarian cancer, familial 1. Review status: no classification provided. Collection method: in vitro. Allele origin: not applicable. Functional consequence: functionally_abnormal. Not counted in ClinVar's aggregate classification.
ClinVar note: "not provided" was previously submitted as the classification for the variant. However, the classification appeared to be based only on an observation of functional data so it was converted to no classification on 2025-07-30.

Literature cited by the submitters: PubMed 25556971 (cited by Ambry Genetics and Labcorp Genetics (formerly Invitae), Labcorp); PubMed 30209399 (cited by Ambry Genetics and Labcorp Genetics (formerly Invitae), Labcorp); PubMed 16199547 (cited by Labcorp Genetics (formerly Invitae), Labcorp); PubMed 20104584 (cited by Labcorp Genetics (formerly Invitae), Labcorp).

NM_007294.4(BRCA1):c.4986+2T>A

Gene: BRCA1 (BRCA1 DNA repair associated; minus strand). Cytogenetic location: 17q21.31.
Variant type: single nucleotide variant.
Coding change: c.4986+2T>A on transcript NM_007294.4 (MANE Select); the canonical splice donor site of the intron after coding-DNA position 4986, T replaced by A.
Molecular consequence: splice donor variant. On other transcripts: intron variant (1).
Genome position (GRCh38, 1-based): chr17:43,070,926, A>T on the plus strand (T>A on the coding strand, the complement: BRCA1 is on the minus strand). VCF-style: chr17-43070926-A-T. GRCh37 (hg19) VCF-style: chr17-41222943-A-T.
Other names: c.1674+2T>A (NM_001407985.1, NM_001408472.1, NM_001407990.1 and 12 more transcripts); c.4977+2T>A (NM_001407644.1, NM_001407645.1); c.4980+2T>A (NM_001407627.1, NM_001407861.1, NM_001407635.1 and 14 more transcripts); c.4983+2T>A (NM_001407614.1, NM_001407626.1, NM_001407617.1 and 17 more transcripts); c.5049+2T>A (NM_001407587.1, NM_001407585.1, NM_007300.4 and 1 more transcripts); c.1437+2T>A (NM_001408494.1); c.1551+2T>A (NM_001408444.1, NM_001408438.1, NM_001408432.1 and 10 more transcripts); c.1554+2T>A (NM_001408430.1, NM_001408427.1, NM_001408431.1 and 4 more transcripts); and 71 more.
Identifiers: ClinVar variation 868086 (VCV000868086.15), dbSNP rs397509210, ClinGen allele CA10591549.
Genomic context (GRCh38, chr17:43,070,926, plus strand): 5'-AAACTCTTTCCAGAATGTTGTTAAGTCTTAGTCATTAGGGAGATACATATGGATACACTC[A>T]CAAATTCTTCTGGGGTCAGGCCAGACACCACCATGGACATTCTTTTGTTGACCCTTTCTG-3'